The following is an entry in ClinVar:

NM_006204.4(PDE6C):c.637T>C (p.Phe213Leu)

Gene: PDE6C (phosphodiesterase 6C; plus strand). Cytogenetic location: 10q23.33.
Variant type: single nucleotide variant.
Coding change: c.637T>C on transcript NM_006204.4 (MANE Select); coding-DNA position 637, T replaced by C.
Protein change: p.Phe213Leu; replaces phenylalanine 213 with leucine.
Molecular consequence: missense variant.
Genome position (GRCh38, 1-based): chr10:93,620,894, T>C. VCF-style: chr10-93620894-T-C. GRCh37 (hg19) VCF-style: chr10-95380651-T-C.
Other names: short protein forms F213L.
Identifiers: ClinVar variation 1367131 (VCV001367131.6), dbSNP rs2058442525, ClinGen allele CA377626997.

ClinVar aggregate classification (germline): Uncertain significance (1 of 4 stars; one submission).

Allele frequency attached by ClinVar (database versions not stated): gnomAD exomes below 0.00001.
gnomAD v4.1: 1 of 1,613,804 alleles (0.000062%); highest among the groups gnomAD compares: Non-Finnish European, 0.000085%; no homozygotes.

Submission:

Labcorp Genetics (formerly Invitae), Labcorp
Classification: Uncertain significance. Last evaluated: 2023-07-17. Review status: criteria provided, single submitter. Criteria: Invitae Variant Classification Sherloc (09022015). Collection method: clinical testing. Allele origin: germline.
Comment: In summary, the available evidence is currently insufficient to determine the role of this variant in disease. Therefore, it has been classified as a Variant of Uncertain Significance. Advanced modeling of protein sequence and biophysical properties (such as structural, functional, and spatial information, amino acid conservation, physicochemical variation, residue mobility, and thermodynamic stability) performed at Invitae indicates that this missense variant is not expected to disrupt PDE6C protein function. ClinVar contains an entry for this variant (Variation ID: 1367131). This variant has not been reported in the literature in individuals affected with PDE6C-related conditions. This variant is not present in population databases (gnomAD no frequency). This sequence change replaces phenylalanine, which is neutral and non-polar, with leucine, which is neutral and non-polar, at codon 213 of the PDE6C protein (p.Phe213Leu).